The following is an entry in ClinVar:

ClinVar aggregate classification (germline): Conflicting classifications of pathogenicity. Review status: criteria provided, conflicting classifications (1 of 4 stars). 5 submissions from 5 submitters: Uncertain significance (4); Likely benign (1). Last evaluated 2026-10-01.

Conditions:
Hereditary cancer-predisposing syndrome. Also called: Hereditary neoplastic syndrome; Tumor predisposition; Hereditary Cancer Syndrome; Neoplastic Syndromes, Hereditary. Identifiers: Orphanet 140162, MedGen C0027672, MeSH D009386, MONDO:0015356.
Familial cancer of breast. Also called: BREAST CANCER, FAMILIAL; hereditary breast carcinoma; Hereditary breast cancer. Identifiers: Orphanet 227535, MedGen C0346153, MONDO:0016419, OMIM 114480. Disease mechanism: loss of function.
Ataxia-telangiectasia syndrome (AT). Also called: Ataxia telangiectasia (A-T); LOUIS-BAR SYNDROME; Ataxia-telangiectasia, complementation group E; AT, COMPLEMENTATION GROUP C; ATAXIA-TELANGIECTASIA, COMPLEMENTATION GROUP A; ATAXIA-TELANGIECTASIA, FRESNO VARIANT. Identifiers: Orphanet 100, MedGen C0004135, MONDO:0008840, OMIM 208900.

Allele frequency attached by ClinVar (database versions not stated): TOPMed below 0.00001.

Submissions (5):

GeneDx
Classification: Uncertain significance. Last evaluated: 2026-10-01. Review status: criteria provided, single submitter. Criteria: GeneDx Variant Classification Process June 2021. Collection method: clinical testing. Allele origin: germline.
Comment: Not observed at significant frequency in large population cohorts (gnomAD); In silico analysis supports that this missense variant has a deleterious effect on protein structure/function; Has not been previously published as pathogenic or benign to our knowledge

Labcorp Genetics (formerly Invitae), Labcorp
Classification: Uncertain significance for Ataxia-telangiectasia syndrome. Last evaluated: 2025-10-09. Review status: criteria provided, single submitter. Criteria: Invitae Variant Classification Sherloc (09022015). Collection method: clinical testing. Allele origin: germline.
Comment: This sequence change replaces lysine, which is basic and polar, with asparagine, which is neutral and polar, at codon 224 of the ATM protein (p.Lys224Asn). This variant is present in population databases (rs769731317, gnomAD 0.006%). This variant has not been reported in the literature in individuals affected with ATM-related conditions. ClinVar contains an entry for this variant (Variation ID: 233153). Invitae Evidence Modeling of protein sequence and biophysical properties (such as structural, functional, and spatial information, amino acid conservation, physicochemical variation, residue mobility, and thermodynamic stability) indicates that this missense variant is not expected to disrupt ATM protein function with a negative predictive value of 95%. In summary, the available evidence is currently insufficient to determine the role of this variant in disease. Therefore, it has been classified as a Variant of Uncertain Significance.

Ambry Genetics
Classification: Likely benign for Hereditary cancer-predisposing syndrome. Last evaluated: 2025-03-29. Review status: criteria provided, single submitter. Criteria: Ambry Variant Classification Scheme 2023. Collection method: clinical testing. Allele origin: germline.

Baylor Genetics
Classification: Uncertain significance for Familial cancer of breast. Last evaluated: 2023-12-03. Review status: criteria provided, single submitter. Criteria: ACMG Guidelines, 2015. Collection method: clinical testing. Allele origin: unknown.

Women's Health and Genetics/Laboratory Corporation of America, LabCorp
Classification: Uncertain significance. Last evaluated: 2017-02-03. Review status: criteria provided, single submitter. Criteria: LabCorp Variant Classification Summary - May 2015. Collection method: clinical testing. Allele origin: germline.
Comment: Variant summary: The ATM c.672G>C (p.Lys224Asn) variant involves the alteration of a non-conserved nucleotide. It is located outside of some commonly known domains (InterPro, UniProt). 4/4 in silico tools used predict damaging outcome for this variant. This variant was found in 1/121204 control chromosomes from ExAC at a frequency of 0.0000083, which does not exceed the estimated maximal expected allele frequency of a pathogenic ATM variant (0.0010005). The variant of interest has not, to our knowledge, been reported in affected individuals via publications. It has been reported as germline variant by one laboratory in ClinVar and as somatic variant in one breast and one large intestine carcinoma samples in COSMIC. One clinical diagnostic laboratory has classified this variant as uncertain significance. Taken together, this variant is classified as a variant of uncertain significance (VUS) until additional information becomes available.

NM_000051.4(ATM):c.672G>C (p.Lys224Asn)

Gene: ATM (ATM serine/threonine kinase; plus strand). Cytogenetic location: 11q22.3.
Variant type: single nucleotide variant.
Coding change: c.672G>C on transcript NM_000051.4 (MANE Select); coding-DNA position 672, G replaced by C.
Protein change: p.Lys224Asn; replaces lysine 224 with asparagine.
Molecular consequence: missense variant.
Genome position (GRCh38, 1-based): chr11:108,244,797, G>C. VCF-style: chr11-108244797-G-C. GRCh37 (hg19) VCF-style: chr11-108115524-G-C.
Other names: c.672G>C, p.Lys224Asn (NM_001351834.2); short protein forms K224N.
Identifiers: ClinVar variation 233153 (VCV000233153.17), dbSNP rs769731317, ClinGen allele CA6264665.